The following is an entry in ClinVar:

ClinVar aggregate classification (germline): Uncertain significance. Review status: criteria provided, multiple submitters, no conflicts (2 of 4 stars). 2 submissions from 2 submitters: Uncertain significance (2). Last evaluated 2025-06-24.

Conditions:
Neuroblastoma, susceptibility to, 3. Also called: ALK-Related Neuroblastic Tumor Susceptibility. Identifiers: Orphanet 635, MedGen C2751681, MONDO:0013083, OMIM 613014.
Hereditary cancer-predisposing syndrome. Also called: Neoplastic Syndromes, Hereditary; Hereditary neoplastic syndrome; Tumor predisposition; Hereditary Cancer Syndrome. Identifiers: Orphanet 140162, MedGen C0027672, MeSH D009386, MONDO:0015356.

Submissions (2):

Labcorp Genetics (formerly Invitae), Labcorp
Classification: Uncertain significance for Neuroblastoma, susceptibility to, 3. Last evaluated: 2025-06-24. Review status: criteria provided, single submitter. Criteria: Invitae Variant Classification Sherloc (09022015). Collection method: clinical testing. Allele origin: germline.
Comment: This sequence change replaces threonine, which is neutral and polar, with asparagine, which is neutral and polar, at codon 1090 of the ALK protein (p.Thr1090Asn). This variant is not present in population databases (gnomAD no frequency). This variant has not been reported in the literature in individuals affected with ALK-related conditions. ClinVar contains an entry for this variant (Variation ID: 3286677). An algorithm developed to predict the effect of missense changes on protein structure and function (PolyPhen-2) suggests that this variant is likely to be disruptive. In summary, the available evidence is currently insufficient to determine the role of this variant in disease. Therefore, it has been classified as a Variant of Uncertain Significance.

Ambry Genetics
Classification: Uncertain significance for Hereditary cancer-predisposing syndrome. Last evaluated: 2024-05-15. Review status: criteria provided, single submitter. Criteria: Ambry Variant Classification Scheme 2023. Collection method: clinical testing. Allele origin: germline.

NM_004304.5(ALK):c.3269C>A (p.Thr1090Asn)

Gene: ALK (ALK receptor tyrosine kinase; minus strand). Cytogenetic location: 2p23.2.
Variant type: single nucleotide variant.
Coding change: c.3269C>A on transcript NM_004304.5 (MANE Select); coding-DNA position 3269, C replaced by A.
Protein change: p.Thr1090Asn; replaces threonine 1090 with asparagine.
Molecular consequence: missense variant.
Genome position (GRCh38, 1-based): chr2:29,223,432, G>T on the plus strand (C>A on the coding strand, the complement: ALK is on the minus strand). VCF-style: chr2-29223432-G-T. GRCh37 (hg19) VCF-style: chr2-29446298-G-T.
Other names: c.65C>A, p.Thr22Asn (NM_001353765.2); short protein forms T1090N, T22N.
Identifiers: ClinVar variation 3286677 (VCV003286677.2).
Genomic context (GRCh38, chr2:29,223,432, plus strand): 5'-TCCTTCAGGTCACTGATGGAGGAGGTCTTGCCAGCAAAGCAGTAGTTGGGGTTGTAGTCG[G>T]TCATGATGGTCGAGGTGCGGAGCTTGCTCAGCTTGTACTCAGGGCTCTGCAGCTCCATCT-3'
Protein context (NP_004295.2, residues 1080-1100): LSKLRTSTIM[Thr1090Asn]DYNPNYCFAG